The following is an entry in ClinVar:

ClinVar aggregate classification (germline): Likely benign. Review status: reviewed by expert panel (3 of 4 stars). 2 submissions from 2 submitters: Likely benign (1). 1 of the submissions does not count toward it. Last evaluated 2024-08-28.

Conditions:
Hereditary thrombocytopenia and hematological cancer predisposition syndrome associated with RUNX1. Also called: Familial Platelet Disorder with Propensity to Acute Myelogenous Leukemia; Familial thrombocytopenia with propensity to acute myelogenous leukemia; PLATELET DISORDER, ASPIRIN-LIKE; RUNX1 Familial Platelet Disorder with Associated Myeloid Malignancies. Identifiers: Orphanet 71290, MedGen C1832388, MeSH C563324, MONDO:0100083, OMIM 601399.
Hereditary thrombocytopenia and hematologic cancer predisposition syndrome. Identifiers: Orphanet 71290, MedGen CN281654, MONDO:0011071.

Submissions (2):

ClinGen Myeloid Malignancy Variant Curation Expert Panel
Classification: Likely benign for Hereditary thrombocytopenia and hematologic cancer predisposition syndrome. Last evaluated: 2024-08-28. Review status: reviewed by expert panel. Criteria: ClinGen MyeloMalig ACMG Specifications v2. Collection method: curation. Allele origin: germline. Inheritance: Autosomal dominant inheritance.
Comment: NM_001754.5(RUNX1):c.1017G>T (p.Leu339=) is a synonymous variant which has a SpliceAI score ≤ 0.20 (0.0) (BP4). This variant has a SpliceAI score ≤ 0.20 (0.0) and evolutionary conservation algorithms predict the site as not being conserved (PhyloP score ≤ 2.0 (0.37)) (BP7). This variant is completely absent from all population databases with at least 20x coverage for RUNX1 (PM2_Supporting). In summary, this variant meets criteria to be classified as likely benign. ACMG/AMP criteria applied, as specified by the Myeloid Malignancy Variant Curation Expert Panel for RUNX1: BP4, BP7, PM2_supporting.

Labcorp Genetics (formerly Invitae), Labcorp
Classification: Likely benign for Hereditary thrombocytopenia and hematological cancer predisposition syndrome associated with RUNX1. Last evaluated: 2022-06-26. Review status: criteria provided, single submitter. Criteria: Invitae Variant Classification Sherloc (09022015). Collection method: clinical testing. Allele origin: germline. Not counted in ClinVar's aggregate classification.

NM_001754.5(RUNX1):c.1017G>T (p.Leu339=)

Gene: RUNX1 (RUNX family transcription factor 1; minus strand). Cytogenetic location: 21q22.12.
Variant type: single nucleotide variant.
Coding change: c.1017G>T on transcript NM_001754.5 (MANE Select); coding-DNA position 1017, G replaced by T.
Protein change: p.Leu339=; no amino-acid change (leucine 339 retained).
Molecular consequence: synonymous variant.
Genome position (GRCh38, 1-based): chr21:34,792,561, C>A on the plus strand (G>T on the coding strand, the complement: RUNX1 is on the minus strand). VCF-style: chr21-34792561-C-A. GRCh37 (hg19) VCF-style: chr21-36164858-C-A.
Other names: NM_001754.5(RUNX1):c.1017G>T; p.Leu339=; c.936G>T, p.Leu312= (NM_001001890.3).
Identifiers: ClinVar variation 2010770 (VCV002010770.5), dbSNP rs2145877826, ClinGen allele CA512341368.